The following is an entry in ClinVar:

ClinVar aggregate classification (germline): Likely benign. Review status: criteria provided, multiple submitters, no conflicts (2 of 4 stars). 4 submissions from 4 submitters: Likely benign (3). 1 of the submissions does not count toward it. Last evaluated 2025-12-14.

Conditions:
TUBGCP6-related disorder. Also called: TUBGCP6-related condition.

Allele frequency attached by ClinVar (database versions not stated): gnomAD exomes 0.00003; ExAC 0.00004; gnomAD 0.00004; TOPMed 0.00004; ESP Exome Variant Server 0.00008.
gnomAD v4.1: 48 of 1,515,540 alleles (0.0032%); highest among the groups gnomAD compares: Non-Finnish European, 0.0039%; no homozygotes.

Submissions (4):

Labcorp Genetics (formerly Invitae), Labcorp
Classification: Likely benign. Last evaluated: 2025-12-14. Review status: criteria provided, single submitter. Criteria: Invitae Variant Classification Sherloc (09022015). Collection method: clinical testing. Allele origin: germline.

Blueprint Genetics
Classification: Likely benign. Last evaluated: 2023-04-11. Review status: criteria provided, single submitter. Criteria: ACMG Guidelines, 2015. Collection method: clinical testing. Allele origin: germline.

Breakthrough Genomics
Classification: Likely benign. Review status: criteria provided, single submitter. Criteria: ACMG Guidelines, 2015. Collection method: not provided. Allele origin: germline. Inheritance: Autosomal recessive inheritance. Affected: yes.

PreventionGenetics, part of Exact Sciences
Classification: Likely benign for TUBGCP6-related condition. Last evaluated: 2024-01-03. Review status: no assertion criteria provided. Collection method: clinical testing. Allele origin: germline. Not counted in ClinVar's aggregate classification.
Comment: This variant is classified as likely benign based on ACMG/AMP sequence variant interpretation guidelines (Richards et al. 2015 PMID: 25741868, with internal and published modifications).

NM_020461.4(TUBGCP6):c.2652G>A (p.Ala884=)

Gene: TUBGCP6 (tubulin gamma complex component 6; minus strand). Cytogenetic location: 22q13.33.
Variant type: single nucleotide variant.
Coding change: c.2652G>A on transcript NM_020461.4 (MANE Select); coding-DNA position 2652, G replaced by A.
Protein change: p.Ala884=; no amino-acid change (alanine 884 retained).
Molecular consequence: synonymous variant.
Genome position (GRCh38, 1-based): chr22:50,221,707, C>T on the plus strand (G>A on the coding strand, the complement: TUBGCP6 is on the minus strand). VCF-style: chr22-50221707-C-T. GRCh37 (hg19) VCF-style: chr22-50660136-C-T.
Other names: c.2652G>A (NM_020461.3).
Identifiers: ClinVar variation 1162064 (VCV001162064.13), dbSNP rs373212442, ClinGen allele CA10308151.
Genomic context (GRCh38, chr22:50,221,707, plus strand): 5'-TGGGCCCACAGGTAGGAAGTCTCCAATGCTGAGGCTGTCAGAGAAGGGTCTGGCCCCCTC[C>T]GCCTGCTGCAGCCCCCTGCCACCAGCCCCCACTGCTAGAGGCTTAAGGGGCTGTGGGGTC-3'
Protein context (NP_065194.3, residues 874-894): VGAGGRGLQQ[Ala884=]EGARPFSDSL